The following is an entry in ClinVar:

NM_000053.4(ATP7B):c.3096dup (p.Thr1033fs)

Gene: ATP7B (ATPase copper transporting beta; minus strand). Cytogenetic location: 13q14.3.
Variant type: Duplication.
Coding change: c.3096dup on transcript NM_000053.4 (MANE Select); coding-DNA position 3096, one base duplicated (T; older notation c.3096dupT).
Protein change: p.Thr1033fs; shifts the reading frame from threonine 1033.
Molecular consequence: frameshift variant. On other transcripts: intron variant (1).
Genome position (GRCh38, 1-based): chr13:51,944,256, A duplicated on the plus strand (T on the coding strand, the reverse complement: ATP7B is on the minus strand); the first of 2 consecutive A bases (chr13:51,944,256-51,944,257); duplicating either gives the same sequence. VCF-style (leftmost placement, unchanged base first): chr13-51944255-T-TA. GRCh37 (hg19) VCF-style: chr13-52518391-T-TA.
Other names: c.2475dup, p.Thr826fs (NM_001005918.3); c.2763dup, p.Thr922fs (NM_001243182.2); c.2862dup, p.Thr955fs (NM_001330578.2, NM_001406527.1, NM_001406528.1 and 1 more transcripts); c.2844dup, p.Thr949fs (NM_001330579.2, NM_001406531.1, NM_001406532.1); c.3096dup, p.Thr1033fs (NM_001406511.1, NM_001406512.1, NM_001406526.1); c.3090dup, p.Thr1031fs (NM_001406513.1); c.3063dup, p.Thr1022fs (NM_001406514.1); c.3042dup, p.Thr1015fs (NM_001406515.1, NM_001406516.1); and 19 more; short protein forms T1001fs, T1015fs, T1022fs, T1031fs, T1033fs, T603fs, T752fs, T806fs.
Identifiers: ClinVar variation 4756546 (VCV004756546.1).

ClinVar aggregate classification (germline): Pathogenic (1 of 4 stars; one submission).

Conditions:
Wilson disease (WND). Also called: Wilson's disease. Identifiers: Orphanet 905, MedGen C0019202, MONDO:0010200, OMIM 277900. Disease mechanism: loss of function.

Submission:

Color Diagnostics, LLC DBA Color Health
Classification: Pathogenic for Wilson disease. Last evaluated: 2025-09-24. Review status: criteria provided, single submitter. Criteria: ACMG Guidelines, 2015. Collection method: clinical testing. Allele origin: germline.
Comment: This variant inserts 1 nucleotide in exon 14 of the ATP7B gene, creating a frameshift and premature translation stop signal. This variant is expected to result in an absent or non-functional protein product. To our knowledge, this variant has not been reported in individuals affected with ATP7B-related disorders in the literature. This variant has not been identified in the general population by the Genome Aggregation Database (gnomAD). Loss of ATP7B function is a known mechanism of disease. Based on the available evidence, this variant is classified as Pathogenic.